The following is an entry in ClinVar:

ClinVar aggregate classification (germline): Likely benign (1 of 4 stars; one submission).

Allele frequency attached by ClinVar (database versions not stated): 1000 Genomes Project 0.00359; 1000 Genomes Project 30x 0.00359; gnomAD exomes 0.00386; TOPMed 0.00485; gnomAD 0.00623.
gnomAD v4.1: 975 of 162,498 alleles (0.6%); highest among the groups gnomAD compares: Middle Eastern, 1.6%; 7 homozygotes.

Submission:

CeGaT Center for Human Genetics Tuebingen
Classification: Likely benign. Last evaluated: 2025-07-01. Review status: criteria provided, single submitter. Criteria: CeGaT Center For Human Genetics Tuebingen Variant Classification Criteria Version 2. Collection method: clinical testing. Allele origin: germline. Affected: yes. Observed: 4 variant alleles.
Comment: BCR: BS2

NM_004327.4(BCR):c.2782+511G>A

Genes: BCR (BCR activator of RhoGEF and GTPase; plus strand), LOC107963955 (BCR-ABL major-breakpoint cluster region; plus strand). Cytogenetic location: 22q11.23.
Variant type: single nucleotide variant.
Coding change: c.2782+511G>A on transcript NM_004327.4 (MANE Select); 511 bases into the intron after coding-DNA position 2782, G replaced by A.
Molecular consequence: intron variant.
Genome position (GRCh38, 1-based): chr22:23,290,924, G>A. VCF-style: chr22-23290924-G-A. GRCh37 (hg19) VCF-style: chr22-23633111-G-A.
Other names: c.2782+511G>A (NM_021574.3).
Identifiers: ClinVar variation 2652961 (VCV002652961.24), dbSNP rs78168495, ClinGen allele CA322501311.